The following is an entry in ClinVar:

ClinVar aggregate classification (germline): Uncertain significance (1 of 4 stars; one submission).

Conditions:
Aicardi-Goutieres syndrome 5. Identifiers: Orphanet 51, MedGen C2749659, MONDO:0013059, OMIM 612952.

Allele frequency attached by ClinVar (database versions not stated): gnomAD exomes below 0.00001 and 0.00001; TOPMed below 0.00001; gnomAD 0.00001; ExAC 0.00002.

Submission:

Labcorp Genetics (formerly Invitae), Labcorp
Classification: Uncertain significance for Aicardi-Goutieres syndrome 5. Last evaluated: 2019-07-12. Review status: criteria provided, single submitter. Criteria: Invitae Variant Classification Sherloc (09022015). Collection method: clinical testing. Allele origin: germline.
Comment: This sequence change replaces glutamic acid with lysine at codon 7 of the SAMHD1 protein (p.Glu7Lys). The glutamic acid residue is weakly conserved and there is a small physicochemical difference between glutamic acid and lysine. This variant is present in population databases (rs765628260, ExAC 0.003%). This variant has not been reported in the literature in individuals with SAMHD1-related conditions. Algorithms developed to predict the effect of missense changes on protein structure and function (SIFT, PolyPhen-2, Align-GVGD) all suggest that this variant is likely to be tolerated, but these predictions have not been confirmed by published functional studies and their clinical significance is uncertain. In summary, the available evidence is currently insufficient to determine the role of this variant in disease. Therefore, it has been classified as a Variant of Uncertain Significance.

NM_015474.4(SAMHD1):c.19G>A (p.Glu7Lys)

Gene: SAMHD1 (SAM and HD domain containing deoxynucleoside triphosphate triphosphohydrolase 1; minus strand). Cytogenetic location: 20q11.23.
Variant type: single nucleotide variant.
Coding change: c.19G>A on transcript NM_015474.4 (MANE Select); coding-DNA position 19, G replaced by A.
Protein change: p.Glu7Lys; replaces glutamic acid 7 with lysine.
Molecular consequence: missense variant.
Genome position (GRCh38, 1-based): chr20:36,951,625, C>T on the plus strand (G>A on the coding strand, the complement: SAMHD1 is on the minus strand). VCF-style: chr20-36951625-C-T. GRCh37 (hg19) VCF-style: chr20-35580028-C-T.
Other names: c.19G>A, p.Glu7Lys (NM_001363729.2, NM_001363733.2); short protein forms E7K.
Identifiers: ClinVar variation 963544 (VCV000963544.9), dbSNP rs765628260, ClinGen allele CA9844850.
Genomic context (GRCh38, chr20:36,951,625, plus strand): 5'-AAGGGGTGTTTGAGGGGGTTCTCGGGCTGTCATCGCAACGGGGACGCTTGGAGGGCTGCT[C>T]GGAATCGGCTCGCTGCATGGCTACACCTGGCGTCCGGCACAGCAGTCAAGAACCTCGGCG-3'
Protein context (NP_056289.2, residues 1-17): MQRADS[Glu7Lys]QPSKRPRCDD